The following is an entry in ClinVar:

ClinVar aggregate classification (germline): Benign/Likely benign. Review status: criteria provided, multiple submitters, no conflicts (2 of 4 stars). 3 submissions from 3 submitters: Benign (1); Likely benign (2). Last evaluated 2019-07-02.

Conditions:
MGAT2-congenital disorder of glycosylation. Also called: MENTAL RETARDATION, GROWTH RETARDATION, PROMINENT COLUMELLA, AND OPEN MOUTH; Alkuraya syndrome; CDG IIa; MGAT2-CDG; Congenital disorder of glycosylation, type IIa. Identifiers: Orphanet 79329, MedGen C2931008, MONDO:0008908, OMIM 212066.

Allele frequency attached by ClinVar (database versions not stated): gnomAD exomes 0.00168; TOPMed 0.01508; 1000 Genomes Project 0.01817; 1000 Genomes Project 30x 0.01889.
gnomAD v4.1: 3,023 of 701,462 alleles (0.43%); highest among the groups gnomAD compares: African/African-American, 4.6%; 59 homozygotes.

Submissions (3):

GeneDx
Classification: Likely benign. Last evaluated: 2019-07-02. Review status: criteria provided, single submitter. Criteria: GeneDx Variant Classification Process June 2021. Collection method: clinical testing. Allele origin: germline. Affected: yes.

Illumina Laboratory Services, Illumina
Classification: Benign for MGAT2-congenital disorder of glycosylation. Last evaluated: 2018-01-13. Review status: criteria provided, single submitter. Criteria: ICSL Variant Classification Criteria 13 December 2019. Collection method: clinical testing. Allele origin: germline.
Comment: This variant was observed in the ICSL laboratory as part of a predisposition screen in an ostensibly healthy population. It had not been previously curated by ICSL or reported in the Human Gene Mutation Database (HGMD: prior to June 1st, 2018), and was therefore a candidate for classification through an automated scoring system. Utilizing variant allele frequency, disease prevalence and penetrance estimates, and inheritance mode, an automated score was calculated to assess if this variant is too frequent to cause the disease. Based on the score and internal cut-off values, a variant classified as benign is not then subjected to further curation. The score for this variant resulted in a classification of benign for this disease.

Breakthrough Genomics
Classification: Likely benign. Review status: criteria provided, single submitter. Criteria: ACMG Guidelines, 2015. Collection method: not provided. Allele origin: germline. Inheritance: Autosomal recessive inheritance. Affected: yes.

NM_002408.4(MGAT2):c.-351G>T

Gene: MGAT2 (alpha-1,6-mannosyl-glycoprotein 2-beta-N-acetylglucosaminyltransferase; plus strand). Cytogenetic location: 14q21.3.
Variant type: single nucleotide variant.
Coding change: c.-351G>T on transcript NM_002408.4 (MANE Select); 351 bases upstream of the start codon, G replaced by T.
Molecular consequence: 5 prime UTR variant.
Genome position (GRCh38, 1-based): chr14:49,620,918, G>T. VCF-style: chr14-49620918-G-T. GRCh37 (hg19) VCF-style: chr14-50087636-G-T.
Identifiers: ClinVar variation 313245 (VCV000313245.9), dbSNP rs116136260, ClinGen allele CA10640200.